The following is an entry in ClinVar:

NM_001005273.3(CHD3):c.1588G>A (p.Ala530Thr)

Gene: CHD3 (chromodomain helicase DNA binding protein 3; plus strand). Cytogenetic location: 17p13.1.
Variant type: single nucleotide variant.
Coding change: c.1588G>A on transcript NM_001005273.3 (MANE Select); coding-DNA position 1588, G replaced by A.
Protein change: p.Ala530Thr; replaces alanine 530 with threonine.
Molecular consequence: missense variant.
Genome position (GRCh38, 1-based): chr17:7,895,423, G>A. VCF-style: chr17-7895423-G-A. GRCh37 (hg19) VCF-style: chr17-7798741-G-A.
Other names: c.1765G>A, p.Ala589Thr (NM_001005271.3); c.1588G>A, p.Ala530Thr (NM_005852.4); short protein forms A589T, A530T.
Identifiers: ClinVar variation 1878378 (VCV001878378.1), dbSNP rs2544841642, ClinGen allele CA397933887.

ClinVar aggregate classification (germline): Uncertain significance (1 of 4 stars; one submission).

Submission:

Women's Health and Genetics/Laboratory Corporation of America, LabCorp
Classification: Uncertain significance. Last evaluated: 2022-12-24. Review status: criteria provided, single submitter. Criteria: LabCorp Variant Classification Summary - May 2015. Collection method: clinical testing. Allele origin: germline.
Comment: Variant summary: CHD3 c.1588G>A (p.Ala530Thr) results in a non-conservative amino acid change located in the Chromo/chromo shadow domain (IPR000953) of the encoded protein sequence. Four of five in-silico tools predict a benign effect of the variant on protein function. The variant was absent in 251480 control chromosomes. The available data on variant occurrences in the general population are insufficient to allow any conclusion about variant significance. To our knowledge, no occurrence of c.1588G>A in individuals affected with Snijders Blok-Campeau Syndrome and no experimental evidence demonstrating its impact on protein function have been reported. No clinical diagnostic laboratories have submitted clinical-significance assessments for this variant to ClinVar after 2014. Based on the evidence outlined above, the variant was classified as uncertain significance.